The following is an entry in ClinVar:

NM_052845.4(MMAB):c.57_58insAA (p.Gly20fs)

Genes: MMAB (metabolism of cobalamin associated B; minus strand), MVK (mevalonate kinase; plus strand). Cytogenetic location: 12q24.11.
Variant type: Insertion.
Coding change: c.57_58insAA on transcript NM_052845.4 (MANE Select); coding-DNA positions 57 to 58, AA inserted.
Protein change: p.Gly20fs; shifts the reading frame from glycine 20.
Molecular consequence: frameshift variant. On other transcripts: non-coding transcript variant (1).
Genome position: GRCh38 VCF-style: chr12-109573423-C-CTT. GRCh37 (hg19) VCF-style: chr12-110011228-C-CTT.
Other names: short protein forms G20fs.
Identifiers: ClinVar variation 4816442 (VCV004816442.1).
Genomic context (GRCh38, chr12:109,573,423, plus strand): 5'-CGCCCTGAGGGCCGCGGCTCTGGAAACGGGGATACAGGAGCCTGGCGGCGCCGAAGCACC[C>CTT]GCGCAGGCCAAGACGGCTCCCCAGGCCAAGACGGCTCCCCAGGCCGCACACAGCCATGAG-3'

ClinVar aggregate classification (germline): Likely pathogenic (1 of 4 stars; one submission).

Conditions:
Methylmalonic aciduria, cblB type (MACB). Also called: METHYLMALONIC ACIDURIA, VITAMIN B12-RESPONSIVE, DUE TO DEFECT IN SYNTHESIS OF ADENOSYLCOBALAMIN, cblB TYPE; Methylmalonic acidemia cblB type; Vitamin B12-responsive methylmalonic acidemia type cblB. Identifiers: Orphanet 28, Orphanet 79311, MedGen C1855102, MONDO:0009614, OMIM 251110.

Submission:

Natera, Inc.
Classification: Likely pathogenic for Methylmalonic aciduria cblB type. Last evaluated: 2025-09-14. Review status: criteria provided, single submitter. Criteria: Natera Variant Classification Schema (03/2026). Collection method: clinical testing. Allele origin: germline.
Comment: The c.57_58insAA variant in MMAB is a frameshift variant predicted to shift the reading frame beginning at codon 20 and leads to a stop codon 74 codons downstream. This variant is expected to result in nonsense mediated decay, truncation, or a dysfunctional protein product. This variant is rare in the general population with a frequency below the threshold expected for the associated phenotype(s). Given the available evidence, this variant is classified as Likely Pathogenic.